The following is an entry in ClinVar:

NM_013435.3(RAX):c.-94G>A

Gene: RAX (retina and anterior neural fold homeobox; minus strand). Cytogenetic location: 18q21.32.
Variant type: single nucleotide variant.
Coding change: c.-94G>A on transcript NM_013435.3 (MANE Select); 94 bases upstream of the start codon, G replaced by A.
Molecular consequence: 5 prime UTR variant.
Genome position (GRCh38, 1-based): chr18:59,273,300, C>T on the plus strand (G>A on the coding strand, the complement: RAX is on the minus strand). VCF-style: chr18-59273300-C-T. GRCh37 (hg19) VCF-style: chr18-56940532-C-T.
Identifiers: ClinVar variation 889866 (VCV000889866.34), dbSNP rs570401263, ClinGen allele CA300985781.

ClinVar aggregate classification (germline): Conflicting classifications of pathogenicity. Review status: criteria provided, conflicting classifications (1 of 4 stars). 3 submissions from 3 submitters: Uncertain significance (2); Likely benign (1). Last evaluated 2022-12-01.

Conditions:
Isolated microphthalmia 3 (MCOPS16). Also called: MICROPHTHALMIA, SYNDROMIC 16. Identifiers: Orphanet 2542, MedGen C5774181, MONDO:0012604, OMIM 611038.

Allele frequency attached by ClinVar (database versions not stated): gnomAD exomes 0.00043; 1000 Genomes Project 0.00180; 1000 Genomes Project 30x 0.00187; gnomAD 0.00289 and 0.00314; TOPMed 0.00295.

Submissions (3):

CeGaT Center for Human Genetics Tuebingen
Classification: Likely benign. Last evaluated: 2022-12-01. Review status: criteria provided, single submitter. Criteria: CeGaT Center For Human Genetics Tuebingen Variant Classification Criteria Version 2. Collection method: clinical testing. Allele origin: germline. Affected: yes. Observed: 1 variant allele.
Comment: RAX: BS2

Fulgent Genetics
Classification: Uncertain significance for Isolated microphthalmia 3. Last evaluated: 2021-08-30. Review status: criteria provided, single submitter. Criteria: ACMG Guidelines, 2015. Collection method: clinical testing. Allele origin: unknown.

Illumina Laboratory Services, Illumina
Classification: Uncertain significance for Isolated microphthalmia 3. Last evaluated: 2018-01-13. Review status: criteria provided, single submitter. Criteria: ICSL Variant Classification Criteria 13 December 2019. Collection method: clinical testing. Allele origin: germline.